The following is an entry in ClinVar:

NM_002472.3(MYH8):c.-93T>G

Genes: MYH8 (myosin heavy chain 8; minus strand), MYHAS (myosin heavy chain gene cluster antisense RNA; plus strand). Cytogenetic location: 17p13.1.
Variant type: single nucleotide variant.
Coding change: c.-93T>G on transcript NM_002472.3 (MANE Select); 93 bases upstream of the start codon, T replaced by G.
Molecular consequence: 5 prime UTR variant.
Genome position (GRCh38, 1-based): chr17:10,421,948, A>C on the plus strand (T>G on the coding strand, the complement: MYH8 is on the minus strand). VCF-style: chr17-10421948-A-C. GRCh37 (hg19) VCF-style: chr17-10325265-A-C.
Identifiers: ClinVar variation 885472 (VCV000885472.28), dbSNP rs113848347, ClinGen allele CA287742849.

ClinVar aggregate classification (germline): Conflicting classifications of pathogenicity. Review status: criteria provided, conflicting classifications (1 of 4 stars). 2 submissions from 2 submitters: Uncertain significance (1); Benign (1). Last evaluated 2022-08-01.

Conditions:
Hecht syndrome (DA7). Also called: Dutch-Kentucky syndrome; MOUTH, INABILITY TO OPEN COMPLETELY, AND SHORT FINGER-FLEXOR TENDONS. Identifiers: Orphanet 3377, MedGen C0265226, MONDO:0008016, OMIM 158300. Disease mechanism: gain of function.

Allele frequency attached by ClinVar (database versions not stated): 1000 Genomes Project 0.00120; 1000 Genomes Project 30x 0.00125; gnomAD 0.00354 and 0.00379; TOPMed 0.00394.

Submissions (2):

CeGaT Center for Human Genetics Tuebingen
Classification: Benign. Last evaluated: 2022-08-01. Review status: criteria provided, single submitter. Criteria: CeGaT Center For Human Genetics Tuebingen Variant Classification Criteria Version 2. Collection method: clinical testing. Allele origin: germline. Affected: yes. Observed: 2 variant alleles.
Comment: MYH8: BS1, BS2

Illumina Laboratory Services, Illumina
Classification: Uncertain significance for Hecht syndrome. Last evaluated: 2018-01-12. Review status: criteria provided, single submitter. Criteria: ICSL Variant Classification Criteria 13 December 2019. Collection method: clinical testing. Allele origin: germline.